The following is an entry in ClinVar:

ClinVar aggregate classification (germline): Uncertain significance (1 of 4 stars; one submission).

Conditions:
Generalized epilepsy-paroxysmal dyskinesia syndrome (PNKD3). Also called: Paroxysmal nonkinesigenic dyskinesia, 3, with or without generalized epilepsy; Generalized epilepsy and paroxysmal dyskinesia. Identifiers: Orphanet 79137, MedGen C5574945, MONDO:0012276, OMIM 609446.

Allele frequency attached by ClinVar (database versions not stated): gnomAD exomes below 0.00001; ExAC 0.00001.
gnomAD v4.1: 2 of 1,592,740 alleles (0.00013%); highest among the groups gnomAD compares: Non-Finnish European, 0.00017%; no homozygotes.

Submission:

Labcorp Genetics (formerly Invitae), Labcorp
Classification: Uncertain significance for Generalized epilepsy-paroxysmal dyskinesia syndrome. Last evaluated: 2019-05-23. Review status: criteria provided, single submitter. Criteria: Invitae Variant Classification Sherloc (09022015). Collection method: clinical testing. Allele origin: germline.
Comment: In summary, the available evidence is currently insufficient to determine the role of this variant in disease. Therefore, it has been classified as a Variant of Uncertain Significance. Nucleotide substitutions within the consensus splice site are a relatively common cause of aberrant splicing (PMID: 17576681, 9536098). Algorithms developed to predict the effect of sequence changes on RNA splicing suggest that this variant is not likely to affect RNA splicing, but this prediction has not been confirmed by published transcriptional studies. This variant has not been reported in the literature in individuals with KCNMA1-related conditions. This variant is present in population databases (rs760003715, ExAC 0.001%). This sequence change falls in intron 23 of the KCNMA1 gene. It does not directly change the encoded amino acid sequence of the KCNMA1 protein, but it affects a nucleotide within the consensus splice site of the intron.

Literature cited by the submitters: PubMed 17576681; PubMed 9536098.

NM_001161352.2(KCNMA1):c.3016+6G>A

Genes: KCNMA1-AS1 (KCNMA1 antisense RNA 1; plus strand), KCNMA1 (potassium calcium-activated channel subfamily M alpha 1; minus strand). Cytogenetic location: 10q22.3.
Variant type: single nucleotide variant.
Coding change: c.3016+6G>A on transcript NM_001161352.2 (MANE Select); 6 bases into the intron after coding-DNA position 3016, G replaced by A.
Molecular consequence: intron variant.
Genome position (GRCh38, 1-based): chr10:76,914,930, C>T on the plus strand (G>A on the coding strand, the complement: KCNMA1 is on the minus strand). VCF-style: chr10-76914930-C-T. GRCh37 (hg19) VCF-style: chr10-78674688-C-T.
Other names: c.2692+6G>A (NM_001271518.2); c.2842+6G>A (NM_001322832.2, NM_002247.4); c.2851+6G>A (NM_001322829.2, NM_001322836.2, NM_001271519.2); c.2854+6G>A (NM_001014797.3, NM_001322835.2, NM_001322837.2); c.2863+6G>A (NM_001322830.2); c.2389+6G>A (NM_001322838.2); c.2965+6G>A (NM_001161353.2).
Identifiers: ClinVar variation 945422 (VCV000945422.10), dbSNP rs760003715, ClinGen allele CA5567947.